The following is an entry in ClinVar:

NM_024334.3(TMEM43):c.-11C>T

Gene: TMEM43 (transmembrane protein 43; plus strand). Cytogenetic location: 3p25.1.
Variant type: single nucleotide variant.
Coding change: c.-11C>T on transcript NM_024334.3 (MANE Select); 11 bases upstream of the start codon, C replaced by T.
Molecular consequence: 5 prime UTR variant.
Genome position (GRCh38, 1-based): chr3:14,125,183, C>T. VCF-style: chr3-14125183-C-T. GRCh37 (hg19) VCF-style: chr3-14166683-C-T.
Identifiers: ClinVar variation 513014 (VCV000513014.1), dbSNP rs767001935, ClinGen allele CA051469.

ClinVar aggregate classification (germline): Likely benign (1 of 4 stars; one submission).

Allele frequency attached by ClinVar (database versions not stated): TOPMed below 0.00001.
gnomAD v4.1: 2 of 1,610,254 alleles (0.00012%); highest among the groups gnomAD compares: Admixed American, 0.0017%; no homozygotes.

Submission:

GeneDx
Classification: Likely benign. Last evaluated: 2017-11-02. Review status: criteria provided, single submitter. Criteria: GeneDx Variant Classification (06012015). Collection method: clinical testing. Allele origin: germline. Affected: yes.
Comment: This variant is considered likely benign or benign based on one or more of the following criteria: it is a conservative change, it occurs at a poorly conserved position in the protein, it is predicted to be benign by multiple in silico algorithms, and/or has population frequency not consistent with disease.